The following is an entry in ClinVar:

ClinVar aggregate classification (germline): Pathogenic. Review status: reviewed by expert panel (3 of 4 stars). 6 submissions from 6 submitters: Pathogenic (1). 5 of the submissions do not count toward it. Last evaluated 2013-09-05.

Conditions:
Hereditary nonpolyposis colorectal neoplasms. Identifiers: MedGen C0009405, MeSH D003123.
Hereditary cancer-predisposing syndrome. Also called: Tumor predisposition; Hereditary Cancer Syndrome; Hereditary neoplastic syndrome; Neoplastic Syndromes, Hereditary. Identifiers: Orphanet 140162, MedGen C0027672, MeSH D009386, MONDO:0015356.
Lynch syndrome. Identifiers: Orphanet 144, MedGen C4552100, MONDO:0005835. Disease mechanism: loss of function.
Mismatch repair cancer syndrome 4. Identifiers: MedGen C5436817, MONDO:0030843, OMIM 619101.
Lynch syndrome 4 (LYNCH4). Also called: Colorectal cancer, hereditary nonpolyposis, type 4; Hereditary non-polyposis colorectal cancer, type 4. Identifiers: Orphanet 144, MedGen C1838333, MONDO:0013699, OMIM 614337. Disease mechanism: loss of function.

Submissions (6):

International Society for Gastrointestinal Hereditary Tumours (InSiGHT)
Classification: Pathogenic for Lynch Syndrome. Last evaluated: 2013-09-05. Review status: reviewed by expert panel. Criteria: Guidelines v1.9. Collection method: research. Allele origin: germline.
Comment: Coding sequence variation resulting in a stop codon

Classified with v1.9 guidelines

Ambry Genetics
Classification: Pathogenic for Hereditary cancer-predisposing syndrome. Last evaluated: 2023-08-30. Review status: criteria provided, single submitter. Criteria: Ambry Variant Classification Scheme 2023. Collection method: clinical testing. Allele origin: germline. Not counted in ClinVar's aggregate classification.
Comment: The c.2243_2246delAGAA pathogenic mutation, located in coding exon 13 of the PMS2 gene, results from a deletion of 4 nucleotides at nucleotide positions 2243 to 2246, causing a translational frameshift with a predicted alternate stop codon (p.K748Mfs*19). This mutation (also designated as 2267delAGAA) has been reported in at least one individual diagnosed with colon cancer before age 40 (Jenkins MA et al. Clin. Gastroenterol. Hepatol., 2006 Apr;4:489-98; Southey MC et al. J. Clin. Oncol., 2005 Sep;23:6524-32). In addition to the clinical data presented in the literature, this alteration is expected to result in loss of function by premature protein truncation or nonsense-mediated mRNA decay. As such, this alteration is interpreted as a disease-causing mutation.

Myriad Genetics, Inc.
Classification: Pathogenic for Lynch syndrome 4. Last evaluated: 2023-04-05. Review status: criteria provided, single submitter. Criteria: Myriad Autosomal Dominant, Autosomal Recessive and X-Linked Classification Criteria (2023). Collection method: clinical testing. Allele origin: unknown. Not counted in ClinVar's aggregate classification.
Comment: This variant is considered pathogenic. This variant creates a frameshift predicted to result in premature protein truncation.

Fulgent Genetics
Classification: Pathogenic for Lynch syndrome 4; Mismatch repair cancer syndrome 4. Last evaluated: 2022-04-16. Review status: criteria provided, single submitter. Criteria: ACMG Guidelines, 2015. Collection method: clinical testing. Allele origin: unknown. Not counted in ClinVar's aggregate classification.

Labcorp Genetics (formerly Invitae), Labcorp
Classification: Uncertain significance for Hereditary nonpolyposis colon cancer. Last evaluated: 2019-11-08. Review status: criteria provided, single submitter. Criteria: Invitae Variant Classification Sherloc (09022015). Collection method: clinical testing. Allele origin: germline. Not counted in ClinVar's aggregate classification.
Comment: The location of this variant in this individual is uncertain. It could create a nonsense change (c.2243_2246del, p.Lys748Metfs*19) in exon 13 of the PMS2 gene, or a variant in exon 4 of the PMS2CL pseudogene. Until the location of this sequence change can be resolved, the clinical significance of this variant remains uncertain. It has been classified as a Variant of Uncertain Significance.

Counsyl
Classification: Pathogenic for Lynch syndrome 4. Last evaluated: 2016-06-01. Review status: no assertion criteria provided. Collection method: clinical testing. Allele origin: unknown. Not counted in ClinVar's aggregate classification.

Literature cited by the submitters: PubMed 16116158 (cited by Ambry Genetics); PubMed 16616355 (cited by Ambry Genetics and Counsyl).

NM_000535.7(PMS2):c.2243_2246del (p.Lys748fs)

Gene: PMS2 (PMS1 homolog 2, mismatch repair system component; minus strand). Cytogenetic location: 7p22.1.
Variant type: Microsatellite.
Coding change: c.2243_2246del on transcript NM_000535.7 (MANE Select); coding-DNA positions 2243 to 2246, 4 bases deleted (AGAA; older notation c.2243_2246delAGAA).
Protein change: p.Lys748fs; shifts the reading frame from lysine 748.
Molecular consequence: frameshift variant. On other transcripts: non-coding transcript variant (1).
Genome position (GRCh38, 1-based): chr7:5,978,625-5,978,628, TTCT deleted on the plus strand (AGAA on the coding strand, the reverse complement: PMS2 is on the minus strand); deleting any 4 consecutive bases within chr7:5,978,625-5,978,632 gives the same sequence; the c. name uses the placement nearest the transcript's 3' end. VCF-style (leftmost placement, unchanged base first): chr7-5978624-ATTCT-A. GRCh37 (hg19) VCF-style: chr7-6018255-ATTCT-A.
Other names: c.1838_1841del, p.Lys613fs (NM_001322003.2, NM_001322004.2, NM_001322005.2 and 1 more transcripts); c.2087_2090del, p.Lys696fs (NM_001322006.2); c.1925_1928del, p.Lys642fs (NM_001322007.2, NM_001322008.2); c.1682_1685del, p.Lys561fs (NM_001322010.2); c.1310_1313del, p.Lys437fs (NM_001322011.2, NM_001322012.2); c.1670_1673del, p.Lys557fs (NM_001322013.2); c.2243_2246del, p.Lys748fs (NM_001322014.2); c.1934_1937del, p.Lys645fs (NM_001322015.2); short protein forms K561fs, K696fs, K557fs, K645fs, K437fs, K613fs, K642fs, K748fs.
Identifiers: ClinVar variation 91333 (VCV000091333.11), dbSNP rs267608173, ClinGen allele CA011107.